The following is an entry in ClinVar:

NM_013266.4(CTNNA3):c.1831A>G (p.Lys611Glu)

Gene: CTNNA3 (catenin alpha 3; minus strand). Cytogenetic location: 10q21.3.
Variant type: single nucleotide variant.
Coding change: c.1831A>G on transcript NM_013266.4 (MANE Select); coding-DNA position 1831, A replaced by G.
Protein change: p.Lys611Glu; replaces lysine 611 with glutamic acid.
Molecular consequence: missense variant.
Genome position (GRCh38, 1-based): chr10:66,280,523, T>C on the plus strand (A>G on the coding strand, the complement: CTNNA3 is on the minus strand). VCF-style: chr10-66280523-T-C. GRCh37 (hg19) VCF-style: chr10-68040281-T-C.
Other names: c.1831A>G, p.Lys611Glu (NM_001127384.3); short protein forms K611E.
Identifiers: ClinVar variation 1780959 (VCV001780959.6), dbSNP rs767260854, ClinGen allele CA5519807.

ClinVar aggregate classification (germline): Uncertain significance. Review status: criteria provided, multiple submitters, no conflicts (2 of 4 stars). 2 submissions from 2 submitters: Uncertain significance (2). Last evaluated 2025-05-27.

Conditions:
Arrhythmogenic right ventricular dysplasia 13. Also called: ARRHYTHMOGENIC RIGHT VENTRICULAR CARDIOMYOPATHY 13; Arrhythmogenic right ventricular dysplasia, familial, 13. Identifiers: MedGen C3810138, MONDO:0000908, OMIM 615616.

Allele frequency attached by ClinVar (database versions not stated): ExAC 0.00001; gnomAD exomes 0.00001.

Submissions (2):

Ambry Genetics
Classification: Uncertain significance. Last evaluated: 2025-05-27. Review status: criteria provided, single submitter. Criteria: Ambry Variant Classification Scheme 2023. Collection method: clinical testing. Allele origin: germline.
Comment: The p.K611E variant (also known as c.1831A>G), located in coding exon 12 of the CTNNA3 gene, results from an A to G substitution at nucleotide position 1831. The lysine at codon 611 is replaced by glutamic acid, an amino acid with similar properties. This amino acid position is conserved. In addition, the in silico prediction for this alteration is inconclusive. Since supporting evidence is limited at this time, the clinical significance of this alteration remains unclear.

Labcorp Genetics (formerly Invitae), Labcorp
Classification: Uncertain significance for Arrhythmogenic right ventricular dysplasia 13. Last evaluated: 2024-01-26. Review status: criteria provided, single submitter. Criteria: Invitae Variant Classification Sherloc (09022015). Collection method: clinical testing. Allele origin: germline.
Comment: This sequence change replaces lysine, which is basic and polar, with glutamic acid, which is acidic and polar, at codon 611 of the CTNNA3 protein (p.Lys611Glu). This variant is present in population databases (rs767260854, gnomAD 0.002%). This variant has not been reported in the literature in individuals affected with CTNNA3-related conditions. ClinVar contains an entry for this variant (Variation ID: 1780959). Advanced modeling of protein sequence and biophysical properties (such as structural, functional, and spatial information, amino acid conservation, physicochemical variation, residue mobility, and thermodynamic stability) performed at Invitae indicates that this missense variant is not expected to disrupt CTNNA3 protein function with a negative predictive value of 80%. In summary, the available evidence is currently insufficient to determine the role of this variant in disease. Therefore, it has been classified as a Variant of Uncertain Significance.